The following is an entry in ClinVar:

NM_201525.4(ADGRG1):c.996T>C (p.Thr332=)

Gene: ADGRG1 (adhesion G protein-coupled receptor G1; plus strand). Cytogenetic location: 16q21.
Variant type: single nucleotide variant.
Coding change: c.996T>C on transcript NM_201525.4 (MANE Select); coding-DNA position 996, T replaced by C.
Protein change: p.Thr332=; no amino-acid change (threonine 332 retained).
Molecular consequence: synonymous variant.
Genome position (GRCh38, 1-based): chr16:57,655,971, T>C. VCF-style: chr16-57655971-T-C. GRCh37 (hg19) VCF-style: chr16-57689883-T-C.
Other names: p.Thr332=; c.996T>C, p.Thr332= (NM_001145770.3, NM_001145771.3, NM_001145772.3 and 16 more transcripts); c.1011T>C, p.Thr337= (NM_001145773.3, NM_001370433.1); c.486T>C, p.Thr162= (NM_001290142.2); c.471T>C, p.Thr157= (NM_001290143.2, NM_001290144.2, NM_001370451.1 and 2 more transcripts); c.840T>C, p.Thr280= (NM_001370442.1).
Identifiers: ClinVar variation 158641 (VCV000158641.32), dbSNP rs1376041, ClinGen allele CA172263.

ClinVar aggregate classification (germline): Benign. Review status: criteria provided, multiple submitters, no conflicts (2 of 4 stars). 13 submissions from 13 submitters: Benign (9). 4 of the submissions do not count toward it. Last evaluated 2026-02-04.

Conditions:
Bilateral frontoparietal polymicrogyria. Also called: CORTICAL DYSPLASIA, COMPLEX, WITH OTHER BRAIN MALFORMATIONS 14A (BILATERAL FRONTOPARIETAL); CEREBELLAR ATAXIA WITH NEURONAL MIGRATION DEFECT. Identifiers: Orphanet 101070, MedGen C1847352, MONDO:0011738, OMIM 606854.

Allele frequency attached by ClinVar (database versions not stated): gnomAD exomes 0.71369 and 0.75938; ExAC 0.75658; ESP Exome Variant Server 0.78447; gnomAD 0.79034 and 0.79529; TOPMed 0.80647; 1000 Genomes Project 0.81669; 1000 Genomes Project 30x 0.82370.
gnomAD v4.1: 1,164,192 of 1,613,752 alleles (72%); highest among the groups gnomAD compares: African/African-American, 95%; 423,394 homozygotes.

Submissions (13):

Labcorp Genetics (formerly Invitae), Labcorp
Classification: Benign. Last evaluated: 2026-02-04. Review status: criteria provided, single submitter. Criteria: Invitae Variant Classification Sherloc (09022015). Collection method: clinical testing. Allele origin: germline.

Blueprint Genetics
Classification: Benign. Last evaluated: 2024-11-27. Review status: criteria provided, single submitter. Criteria: ACMG Guidelines, 2015. Collection method: clinical testing. Allele origin: germline.

Genome-Nilou Lab
Classification: Benign for Bilateral frontoparietal polymicrogyria. Last evaluated: 2021-07-10. Review status: criteria provided, single submitter. Criteria: ACMG Guidelines, 2015. Collection method: clinical testing. Allele origin: germline. Affected: no.

Athena Diagnostics
Classification: Benign. Last evaluated: 2018-05-06. Review status: criteria provided, single submitter. Criteria: Athena Diagnostics Criteria. Collection method: clinical testing. Allele origin: germline.

Mayo Clinic Laboratories, Mayo Clinic
Classification: Benign. Last evaluated: 2018-04-02. Review status: criteria provided, single submitter. Criteria: ACMG Guidelines, 2015. Collection method: clinical testing. Allele origin: germline. Observed: 501 variant alleles.

Illumina Laboratory Services, Illumina
Classification: Benign for Bilateral frontoparietal polymicrogyria. Last evaluated: 2018-01-12. Review status: criteria provided, single submitter. Criteria: ICSL Variant Classification Criteria 13 December 2019. Collection method: clinical testing. Allele origin: germline.
Comment: This variant was observed in the ICSL laboratory as part of a predisposition screen in an ostensibly healthy population. It had not been previously curated by ICSL or reported in the Human Gene Mutation Database (HGMD: prior to June 1st, 2018), and was therefore a candidate for classification through an automated scoring system. Utilizing variant allele frequency, disease prevalence and penetrance estimates, and inheritance mode, an automated score was calculated to assess if this variant is too frequent to cause the disease. Based on the score and internal cut-off values, a variant classified as benign is not then subjected to further curation. The score for this variant resulted in a classification of benign for this disease.

GeneDx
Classification: Benign. Last evaluated: 2015-03-03. Review status: criteria provided, single submitter. Criteria: GeneDx Variant Classification Process June 2021. Collection method: clinical testing. Allele origin: germline. Affected: yes.

Breakthrough Genomics
Classification: Benign. Review status: criteria provided, single submitter. Criteria: ACMG Guidelines, 2015. Collection method: not provided. Allele origin: germline. Inheritance: Autosomal recessive inheritance. Affected: yes.

PreventionGenetics, part of Exact Sciences
Classification: Benign. Review status: criteria provided, single submitter. Criteria: ACMG Guidelines, 2015. Collection method: clinical testing. Allele origin: germline.

Natera, Inc.
Classification: Benign for Bilateral frontoparietal polymicrogyria. Last evaluated: 2020-09-16. Review status: no assertion criteria provided. Collection method: clinical testing. Allele origin: germline. Not counted in ClinVar's aggregate classification.

Clinical Genetics DNA and cytogenetics Diagnostics Lab, Erasmus MC, Erasmus Medical Center
Classification: Benign. Review status: no assertion criteria provided. Collection method: clinical testing. Allele origin: germline. Affected: yes. Study: VKGL Data-share Consensus. Not counted in ClinVar's aggregate classification.

Diagnostic Laboratory, Department of Genetics, University Medical Center Groningen
Classification: Benign. Review status: no assertion criteria provided. Collection method: clinical testing. Allele origin: germline. Affected: yes. Study: VKGL Data-share Consensus. Not counted in ClinVar's aggregate classification.

Genetic Services Laboratory, University of Chicago
Classification: Likely benign. Review status: no assertion criteria provided. Collection method: clinical testing. Allele origin: germline. Inheritance: Autosomal recessive inheritance. Not counted in ClinVar's aggregate classification.
Comment: Likely benign based on allele frequency in 1000 Genomes Project or ESP global frequency and its presence in a patient with a rare or unrelated disease phenotype. NOT Sanger confirmed